The following is an entry in ClinVar:

NM_003399.6(XPNPEP2):c.1815G>A (p.Leu605=)

Gene: XPNPEP2 (X-prolyl aminopeptidase 2; plus strand). Cytogenetic location: Xq26.1.
Variant type: single nucleotide variant.
Coding change: c.1815G>A on transcript NM_003399.6 (MANE Select); coding-DNA position 1815, G replaced by A.
Protein change: p.Leu605=; no amino-acid change (leucine 605 retained).
Molecular consequence: synonymous variant.
Genome position (GRCh38, 1-based): chrX:129,767,677, G>A. VCF-style: chrX-129767677-G-A. GRCh37 (hg19) VCF-style: chrX-128901653-G-A.
Identifiers: ClinVar variation 2661400 (VCV002661400.24), dbSNP rs200683833, ClinGen allele CA10513086.

ClinVar aggregate classification (germline): Likely benign (1 of 4 stars; one submission).

Allele frequency attached by ClinVar (database versions not stated): gnomAD 0.00001; TOPMed 0.00001; gnomAD exomes 0.00002; ExAC 0.00013; 1000 Genomes Project 30x 0.00021; 1000 Genomes Project 0.00026.

Submission:

CeGaT Center for Human Genetics Tuebingen
Classification: Likely benign. Last evaluated: 2023-07-01. Review status: criteria provided, single submitter. Criteria: CeGaT Center For Human Genetics Tuebingen Variant Classification Criteria Version 2. Collection method: clinical testing. Allele origin: germline. Affected: yes. Observed: 1 variant allele.
Comment: XPNPEP2: BP4